The following is an entry in ClinVar:

NM_014956.5(CEP164):c.1707G>A (p.Pro569=)

Gene: CEP164 (centrosomal protein 164; plus strand). Cytogenetic location: 11q23.3.
Variant type: single nucleotide variant.
Coding change: c.1707G>A on transcript NM_014956.5 (MANE Select); coding-DNA position 1707, G replaced by A.
Protein change: p.Pro569=; no amino-acid change (proline 569 retained).
Molecular consequence: synonymous variant. On other transcripts: intron variant (27).
Genome position (GRCh38, 1-based): chr11:117,382,925, G>A. VCF-style: chr11-117382925-G-A. GRCh37 (hg19) VCF-style: chr11-117253641-G-A.
Other names: c.1716G>A, p.Pro572= (NM_001271933.2, NM_001440949.1); c.1707G>A, p.Pro569= (NM_001440950.1, NM_001440951.1, NM_001440953.1 and 1 more transcripts); c.1629G>A, p.Pro543= (NM_001440954.1, NM_001440955.1, NM_001440958.1 and 2 more transcripts); c.1578G>A, p.Pro526= (NM_001440960.1); c.1548G>A, p.Pro516= (NM_001440972.1); c.1586+1057G>A (NM_001440967.1, NM_001440961.1); c.1637+1057G>A (NM_001440956.1, NM_001440957.1); c.1577+1057G>A (NM_001440962.1, NM_001440970.1, NM_001440964.1 and 6 more transcripts); and 2 more.
Identifiers: ClinVar variation 4990584 (VCV004990584.1).

ClinVar aggregate classification (germline): Likely benign (1 of 4 stars; one submission).

Conditions:
CEP164-related disorder. Also called: CEP164-related condition.

gnomAD v4.1: 14 of 1,612,278 alleles (0.00087%); highest among the groups gnomAD compares: African/African-American, 0.004%; no homozygotes.

Submission:

PreventionGenetics, part of Exact Sciences
Classification: Likely benign for CEP164-related condition. Last evaluated: 2025-06-13. Review status: criteria provided, single submitter. Criteria: ACMG Guidelines, 2015. Collection method: clinical testing. Allele origin: germline.
Comment: This variant is classified as likely benign based on ACMG/AMP sequence variant interpretation guidelines (Richards et al. 2015 PMID: 25741868, with internal and published modifications).